The following is an entry in ClinVar:

NM_000317.3(PTS):c.298T>G (p.Phe100Val)

Gene: PTS (6-pyruvoyltetrahydropterin synthase; plus strand). Cytogenetic location: 11q23.1.
Variant type: single nucleotide variant.
Coding change: c.298T>G on transcript NM_000317.3 (MANE Select); coding-DNA position 298, T replaced by G.
Protein change: p.Phe100Val; replaces phenylalanine 100 with valine.
Molecular consequence: missense variant.
Genome position (GRCh38, 1-based): chr11:112,233,217, T>G. VCF-style: chr11-112233217-T-G. GRCh37 (hg19) VCF-style: chr11-112103940-T-G.
Other names: short protein forms F100V.
Identifiers: ClinVar variation 1303150 (VCV001303150.2), dbSNP rs2135410321, ClinGen allele CA382627887.
Genomic context (GRCh38, chr11:112,233,217, plus strand): 5'-CTCTAGGAGGCGATTATGCAGCCCCTTGATCATAAGAATCTGGATATGGATGTGCCATAC[T>G]TTGCAGATGTGGTGAGGTGGGTGGCACTGTATCTTGCCTTATGTGGATTGTAAAACAAGA-3'
Protein context (NP_000308.1, residues 90-110): HKNLDMDVPY[Phe100Val]ADVVSTTENV

ClinVar aggregate classification (germline): Uncertain significance (1 of 4 stars; one submission).

Submission:

GeneDx
Classification: Uncertain significance. Last evaluated: 2021-04-26. Review status: criteria provided, single submitter. Criteria: GeneDx Variant Classification Process June 2021. Collection method: clinical testing. Allele origin: germline. Affected: yes.
Comment: Not observed in large population cohorts (Lek et al., 2016); In silico analysis supports that this missense variant has a deleterious effect on protein structure/function; This variant is associated with the following publications: (PMID: 25525159, 10089284, 16917893)